The following is an entry in ClinVar:

NM_005888.4(SLC25A3):c.241dup (p.Thr81fs)

Genes: SLC25A3 (solute carrier family 25 member 3; plus strand), LOC130008523 (ATAC-STARR-seq lymphoblastoid active region 6847; plus strand). Cytogenetic location: 12q23.1.
Variant type: Duplication.
Coding change: c.241dup on transcript NM_005888.4 (MANE Plus Clinical); coding-DNA position 241, one base duplicated (A; older notation c.241dupA).
Protein change: p.Thr81fs; shifts the reading frame from threonine 81.
Molecular consequence: frameshift variant. On other transcripts: intron variant (2).
Genome position (GRCh38, 1-based): chr12:98,595,516, A duplicated. VCF-style (leftmost placement, unchanged base first): chr12-98595515-T-TA. GRCh37 (hg19) VCF-style: chr12-98989293-T-TA.
Other names: c.158-211dup (NM_213611.3, NM_002635.4); short protein forms T81fs.
Identifiers: ClinVar variation 1431083 (VCV001431083.6), dbSNP rs2153283460, ClinGen allele CA2573149079.

ClinVar aggregate classification (germline): Pathogenic (1 of 4 stars; one submission).

Submission:

Labcorp Genetics (formerly Invitae), Labcorp
Classification: Pathogenic. Last evaluated: 2021-12-03. Review status: criteria provided, single submitter. Criteria: Invitae Variant Classification Sherloc (09022015). Collection method: clinical testing. Allele origin: germline.
Comment: This sequence change creates a premature translational stop signal (p.Thr81Asnfs*10) in the SLC25A3 gene. It is expected to result in an absent or disrupted protein product. Loss-of-function variants in SLC25A3 are known to be pathogenic (PMID: 17273968, 21763135). This variant is not present in population databases (gnomAD no frequency). This variant has not been reported in the literature in individuals affected with SLC25A3-related conditions. For these reasons, this variant has been classified as Pathogenic.

Literature cited by the submitters: PubMed 17273968; PubMed 21763135.